The following is an entry in ClinVar:

NM_002049.4(GATA1):c.727C>T (p.Arg243Trp)

Gene: GATA1 (GATA binding protein 1; plus strand). Cytogenetic location: Xp11.23.
Variant type: single nucleotide variant.
Coding change: c.727C>T on transcript NM_002049.4 (MANE Select); coding-DNA position 727, C replaced by T.
Protein change: p.Arg243Trp; replaces arginine 243 with tryptophan.
Molecular consequence: missense variant.
Genome position (GRCh38, 1-based): chrX:48,792,451, C>T. VCF-style: chrX-48792451-C-T. GRCh37 (hg19) VCF-style: chrX-48650858-C-T.
Other names: short protein forms R243W.
Identifiers: ClinVar variation 1408044 (VCV001408044.6), dbSNP rs782632688, ClinGen allele CA10404649.

ClinVar aggregate classification (germline): Uncertain significance (1 of 4 stars; one submission).

Conditions:
Diamond-Blackfan anemia. Also called: Blackfan Diamond syndrome; Aregenerative anemia chronic congenital; Red cell aplasia, pure hereditary; Congenital hypoplastic anemia; Aase syndrome. Identifiers: Orphanet 124, MedGen C1260899, MeSH D029503, MONDO:0015253, HP:0004810.
GATA binding protein 1 related thrombocytopenia with dyserythropoiesis. Also called: GATA1-Related Cytopenia; GATA1-Related X-Linked Cytopenia. Identifiers: MedGen C1845837, MONDO:0100089.

Allele frequency attached by ClinVar (database versions not stated): gnomAD exomes 0.00001; ExAC 0.00002.

Submission:

Labcorp Genetics (formerly Invitae), Labcorp
Classification: Uncertain significance for GATA binding protein 1 related thrombocytopenia with dyserythropoiesis; Diamond-Blackfan anemia. Last evaluated: 2024-04-22. Review status: criteria provided, single submitter. Criteria: Invitae Variant Classification Sherloc (09022015). Collection method: clinical testing. Allele origin: germline.
Comment: This sequence change replaces arginine, which is basic and polar, with tryptophan, which is neutral and slightly polar, at codon 243 of the GATA1 protein (p.Arg243Trp). This variant is present in population databases (rs782632688, gnomAD 0.005%), including at least one homozygous and/or hemizygous individual. This variant has not been reported in the literature in individuals affected with GATA1-related conditions. ClinVar contains an entry for this variant (Variation ID: 1408044). Advanced modeling of protein sequence and biophysical properties (such as structural, functional, and spatial information, amino acid conservation, physicochemical variation, residue mobility, and thermodynamic stability) performed at Invitae indicates that this missense variant is expected to disrupt GATA1 protein function with a positive predictive value of 80%. In summary, the available evidence is currently insufficient to determine the role of this variant in disease. Therefore, it has been classified as a Variant of Uncertain Significance.